The following is an entry in ClinVar:

NM_031229.4(RBCK1):c.473A>G (p.Lys158Arg)

Gene: RBCK1 (RANBP2-type and C3HC4-type zinc finger containing 1; plus strand). Cytogenetic location: 20p13.
Variant type: single nucleotide variant.
Coding change: c.473A>G on transcript NM_031229.4 (MANE Select); coding-DNA position 473, A replaced by G.
Protein change: p.Lys158Arg; replaces lysine 158 with arginine.
Molecular consequence: missense variant. On other transcripts: non-coding transcript variant (1).
Genome position (GRCh38, 1-based): chr20:419,359, A>G. VCF-style: chr20-419359-A-G. GRCh37 (hg19) VCF-style: chr20-400003-A-G.
Other names: c.473A>G (NM_031229.2); c.124A>G, p.Arg42Gly (NM_001323956.2, NM_001323958.2); c.347A>G, p.Lys116Arg (NM_006462.6); short protein forms K116R, K158R, R42G.
Identifiers: ClinVar variation 1691066 (VCV001691066.6), dbSNP rs772796019, ClinGen allele CA9723102.

ClinVar aggregate classification (germline): Uncertain significance. Review status: criteria provided, multiple submitters, no conflicts (2 of 4 stars). 3 submissions from 3 submitters: Uncertain significance (3). Last evaluated 2025-06-18.

Conditions:
Inborn genetic diseases. Identifiers: MedGen C0950123, MeSH D030342.
Polyglucosan body myopathy type 1 (PGBM1). Also called: Polyglucosan body myopathy 1 with or without immunodeficiency; POLYGLUCOSAN BODY MYOPATHY WITHOUT IMMUNODEFICIENCY. Identifiers: Orphanet 329173, Orphanet 397937, MedGen C4014605, MONDO:0014389, OMIM 615895.

Allele frequency attached by ClinVar (database versions not stated): gnomAD exomes 0.00001 and 0.00003; ExAC 0.00002; TOPMed 0.00002.
gnomAD v4.1: 17 of 1,612,272 alleles (0.0011%); highest among the groups gnomAD compares: Admixed American, 0.01%; no homozygotes.

Submissions (3):

Ambry Genetics
Classification: Uncertain significance for Inborn genetic diseases. Last evaluated: 2025-06-18. Review status: criteria provided, single submitter. Criteria: Ambry Variant Classification Scheme 2023. Collection method: clinical testing. Allele origin: germline.

Labcorp Genetics (formerly Invitae), Labcorp
Classification: Uncertain significance for Polyglucosan body myopathy type 1. Last evaluated: 2023-08-17. Review status: criteria provided, single submitter. Criteria: Invitae Variant Classification Sherloc (09022015). Collection method: clinical testing. Allele origin: germline.
Comment: In summary, the available evidence is currently insufficient to determine the role of this variant in disease. Therefore, it has been classified as a Variant of Uncertain Significance. Advanced modeling of protein sequence and biophysical properties (such as structural, functional, and spatial information, amino acid conservation, physicochemical variation, residue mobility, and thermodynamic stability) performed at Invitae indicates that this missense variant is not expected to disrupt RBCK1 protein function. ClinVar contains an entry for this variant (Variation ID: 1691066). This variant has not been reported in the literature in individuals affected with RBCK1-related conditions. This variant is present in population databases (rs772796019, gnomAD 0.02%). This sequence change replaces lysine, which is basic and polar, with arginine, which is basic and polar, at codon 158 of the RBCK1 protein (p.Lys158Arg).

Laboratorio de Genetica e Diagnostico Molecular, Hospital Israelita Albert Einstein
Classification: Uncertain significance. Last evaluated: 2019-03-12. Review status: criteria provided, single submitter. Criteria: ACMG Guidelines, 2015. Collection method: clinical testing. Allele origin: germline. Affected: yes.
Comment: ACMG classification criteria: PM2, BP4